The following is an entry in ClinVar:

NM_001303256.3(MORC2):c.394C>T (p.Arg132Cys)

Gene: MORC2 (MORC family CW-type zinc finger 2; minus strand). Cytogenetic location: 22q12.2.
Variant type: single nucleotide variant.
Coding change: c.394C>T on transcript NM_001303256.3 (MANE Select); coding-DNA position 394, C replaced by T.
Protein change: p.Arg132Cys; replaces arginine 132 with cysteine.
Molecular consequence: missense variant.
Genome position (GRCh38, 1-based): chr22:30,946,373, G>A on the plus strand (C>T on the coding strand, the complement: MORC2 is on the minus strand). VCF-style: chr22-30946373-G-A. GRCh37 (hg19) VCF-style: chr22-31342360-G-A.
Other names: c.394C>T, p.Arg132Cys (NM_001303257.2); c.208C>T, p.Arg70Cys (NM_014941.3); short protein forms R132C, R70C.
Identifiers: ClinVar variation 422103 (VCV000422103.30), dbSNP rs1064795559, ClinGen allele CA16621097.
Genomic context (GRCh38, chr22:30,946,373, plus strand): 5'-TGATGCAGACCACGATGATGGGACCTACTTCATCAATGCCTTCTTCCTCATGAAACGTGC[G>A]AGACAGGAAGAGGCAGGTCATGGTGTCTTCCTTCTTGGTGAACAGGATAAAATCCTTCCC-3'
Protein context (NP_001290185.1, residues 122-142): EDTMTCLFLS[Arg132Cys]TFHEEEGIDE

ClinVar aggregate classification (germline): Pathogenic/Likely pathogenic. Review status: criteria provided, multiple submitters, no conflicts (2 of 4 stars). 16 submissions from 16 submitters: Pathogenic (13); Likely pathogenic (2). 1 of the submissions does not count toward it. Last evaluated 2026-05-01.

Conditions:
MORC2-related disorder. Also called: MORC2-related condition.
Neurodevelopmental disorder. Identifiers: MedGen C1535926, MeSH D065886, MONDO:0700092.
Developmental delay, impaired growth, dysmorphic facies, and axonal neuropathy. Identifiers: MedGen C5436781, MONDO:0030835, OMIM 619090.
Charcot-Marie-Tooth disease axonal type 2Z. Also called: CHARCOT-MARIE-TOOTH DISEASE, AXONAL, AUTOSOMAL DOMINANT, TYPE 2Z; CHARCOT-MARIE-TOOTH NEUROPATHY, TYPE 2Z. Identifiers: Orphanet 466768, MedGen C5569025, MONDO:0014736, OMIM 616688.
MORC2-related developmental disorder.

Submissions 1 to 10 of 16:

CeGaT Center for Human Genetics Tuebingen
Classification: Pathogenic. Last evaluated: 2026-05-01. Review status: criteria provided, single submitter. Criteria: CeGaT Center For Human Genetics Tuebingen Variant Classification Criteria Version 2. Collection method: clinical testing. Allele origin: germline. Affected: yes. Observed: 1 variant allele.
Comment: MORC2: PS2:Very Strong, PM1, PM2, PS4:Moderate, PP3

Dasa
Classification: Pathogenic. Last evaluated: 2026-02-12. Review status: criteria provided, single submitter. Criteria: DASA Assertion Criteria. Collection method: clinical testing. Allele origin: germline.
Comment: NM_001303256.3(MORC2):c.394C>T (p.Arg132Cys) is a missense variant that results in the substitution of arginine with cysteine. Functional evidence supports a deleterious effect on the gene or gene product (PMID: 31618753; PMID: 31785789; PMID: 32693025). This variant has been recurrently observed in individuals with related phenotype (PMID: 31618753; PMID: 31785789; PMID: 32693025). Multiple computational predictions support a deleterious effect on the gene or gene product. Based on the available data, this variant is classified as pathogenic.

Women's Health and Genetics/Laboratory Corporation of America, LabCorp
Classification: Pathogenic for Developmental delay, impaired growth, dysmorphic facies, and axonal neuropathy. Last evaluated: 2026-01-23. Review status: criteria provided, single submitter. Criteria: LabCorp Variant Classification Summary - May 2015. Collection method: clinical testing. Allele origin: germline.
Comment: Variant summary: MORC2 c.394C>T (p.Arg132Cys) results in a non-conservative amino acid change in the encoded protein sequence. Algorithms developed to predict the effect of missense changes on protein structure and function all suggest that this variant is likely to be disruptive. The frequency data for this variant in gnomAD is considered unreliable, as metrics indicate poor data quality at this position. c.394C>T has been observed as de novo in individuals affected with Developmental delay, impaired growth, dysmorphic facies, and axonal neuropathy (Deciphering Developmental Disorders Study_2017, Turner_2019, Guillen Sacato_2020, Ziats_2020, Stafki_2023). These data indicate that the variant is very likely to be associated with disease. To our knowledge, no experimental evidence demonstrating an impact on protein function has been reported. The following publications have been ascertained in the context of this evaluation (PMID: 32693025, 36791574, 31785789, 31618753). ClinVar contains an entry for this variant (Variation ID: 422103). Based on the evidence outlined above, the variant was classified as pathogenic.

Victorian Clinical Genetics Services, Murdoch Childrens Research Institute
Classification: Pathogenic for Developmental delay, impaired growth, dysmorphic facies, and axonal neuropathy. Last evaluated: 2025-03-03. Review status: criteria provided, single submitter. Criteria: ACMG Guidelines, 2015. Collection method: clinical testing. Allele origin: germline. Affected: yes.
Comment: This variant is classified as Pathogenic. Evidence in support of pathogenic classification: Variant is absent from gnomAD (v2, v3 and v4); This variant has strong previous evidence of pathogenicity in unrelated individuals. This variant has been classified as pathogenic and likely pathogenic by clinical laboratories in ClinVar, and reported in the literature in individuals with MORC2-related features (PMID: 32693025, 36791574, 39433808, 31618753, 27105897); This variant has moderate functional evidence supporting abnormal protein function. Complementation experiments show this variant results in downstream hyperactivation of epigenetic silencing by the HUSH complex (PMID: 32693025); Missense variant predicted to be damaging by in silico tool(s) or highly conserved with a major amino acid change; Additional information: Variant is predicted to result in a missense amino acid change from arginine to cysteine; This variant is heterozygous; This gene is associated with autosomal dominant disease; Alternative amino acid change(s) at the same position are present in gnomAD (Highest allele count: v4: 1 heterozygote(s), 0 homozygote(s)); Variant is located in the annotated histidine kinase-, DNA gyrase B-, and HSP90-like ATPase domain (DECIPHER, InterPro); The mechanism of disease for this gene is not clearly established; however, multiple studies have reported variable dysregulation of ATPase activity, dimerisation, and/or regulatory functions. Variants displaying more significant biochemical changes tend to be associated with more severe clinical presentations (PMIDs: 28581500, 29440755, 30624633, 32693025, 34059105); Variants in this gene are known to have variable expressivity. Considerable clinical heterogeneity has been observed in affected individuals, ranging from adult-onset neuropathies to congenital complex multisystem disorders (OMIM, PMID: 34059105).

Labcorp Genetics (formerly Invitae), Labcorp
Classification: Pathogenic for Charcot-Marie-Tooth disease axonal type 2Z. Last evaluated: 2024-01-18. Review status: criteria provided, single submitter. Criteria: Invitae Variant Classification Sherloc (09022015). Collection method: clinical testing. Allele origin: germline.
Comment: This sequence change replaces arginine, which is basic and polar, with cysteine, which is neutral and slightly polar, at codon 70 of the MORC2 protein (p.Arg70Cys). This variant is not present in population databases (gnomAD no frequency). This missense change has been observed in individual(s) with MORC2-related conditions (PMID: 28135719, 31618753, 31785789, 32693025). In at least one individual the variant was observed to be de novo. ClinVar contains an entry for this variant (Variation ID: 422103). Advanced modeling of protein sequence and biophysical properties (such as structural, functional, and spatial information, amino acid conservation, physicochemical variation, residue mobility, and thermodynamic stability) performed at Invitae indicates that this missense variant is expected to disrupt MORC2 protein function with a positive predictive value of 95%. Experimental studies have shown that this missense change affects MORC2 function (PMID: 32693025). For these reasons, this variant has been classified as Pathogenic.

Mendelics
Classification: Pathogenic for Charcot-Marie-Tooth disease axonal type 2Z. Last evaluated: 2023-12-19. Review status: criteria provided, single submitter. Criteria: Mendelics Assertion Criteria 2017. Collection method: clinical testing. Allele origin: unknown.

Greenwood Genetic Center Diagnostic Laboratories, Greenwood Genetic Center
Classification: Pathogenic for Developmental delay, impaired growth, dysmorphic facies, and axonal neuropathy. Last evaluated: 2023-07-10. Review status: criteria provided, single submitter. Criteria: ACMG Guidelines, 2015. Collection method: clinical testing. Allele origin: germline. Affected: yes.
Comment: PS2, PS4, PM2, PP2, PP3

PreventionGenetics, part of Exact Sciences
Classification: Pathogenic for MORC2-related condition. Last evaluated: 2023-06-06. Review status: criteria provided, single submitter. Criteria: ACMG Guidelines, 2015. Collection method: clinical testing. Allele origin: germline.
Comment: The MORC2 c.394C>T variant is predicted to result in the amino acid substitution p.Arg132Cys. This variant has been previously reported as a recurrent de novo variant in several individuals with MORC2-related developmental disorder (Table 1, Guillen Sacoto et al. 2020. PubMed ID: 32693025; Supplementary Table 1, McRae et al. 2017. PubMed ID: 28135719). This variant was also reported in the heterozygous state (inheritance unknown) in an individual with developmental delays, microcephaly, hearing loss, and growth hormone deficiency (Patient 93, Supplementary Tables, Ziats et al. 2020. PubMed ID: 31618753). This variant has not been reported in a large population database, indicating this variant is rare. This variant is interpreted as pathogenic.

Laboratorio de Genetica e Diagnostico Molecular, Hospital Israelita Albert Einstein
Classification: Likely pathogenic for Developmental delay, impaired growth, dysmorphic facies, and axonal neuropathy. Last evaluated: 2022-11-11. Review status: criteria provided, single submitter. Criteria: ACMG Guidelines, 2015. Collection method: clinical testing. Allele origin: germline. Affected: yes. Observed: 1 variant allele.
Comment: ACMG classification criteria: PS4 supporting, PM2 moderated, PM6 moderated, PP2 supporting, PP3 supporting

Department of Genetics, Rouen University Hospital, Normandy Center for Genomic and Personalized Medicine
Classification: Pathogenic for Developmental delay, impaired growth, dysmorphic facies, and axonal neuropathy. Last evaluated: 2022-01-18. Review status: criteria provided, single submitter. Criteria: ACMG Guidelines, 2015. Collection method: clinical testing. Allele origin: de novo. Affected: yes.